The following is an entry in ClinVar:

NM_000138.5(FBN1):c.1379G>A (p.Cys460Tyr)

Gene: FBN1 (fibrillin 1; minus strand). Cytogenetic location: 15q21.1.
Variant type: single nucleotide variant.
Coding change: c.1379G>A on transcript NM_000138.5 (MANE Select); coding-DNA position 1379, G replaced by A.
Protein change: p.Cys460Tyr; replaces cysteine 460 with tyrosine.
Molecular consequence: missense variant.
Genome position (GRCh38, 1-based): chr15:48,515,476, C>T on the plus strand (G>A on the coding strand, the complement: FBN1 is on the minus strand). VCF-style: chr15-48515476-C-T. GRCh37 (hg19) VCF-style: chr15-48807673-C-T.
Other names: NM_000138.5(FBN1):c.1379G>A; p.Cys460Tyr; short protein forms C460Y.
Identifiers: ClinVar variation 636640 (VCV000636640.5), dbSNP rs1597581001, ClinGen allele CA392343867.
Genomic context (GRCh38, chr15:48,515,476, plus strand): 5'-AACCCTTTGTTGCACTCACACCGGTAACTCCCAGGAGTTGGAATGCAGCGTCCATTTTGA[C>T]AGAGATAGCGGACCAACTGGCAGTAATCAGTAACGTTTACTGGCAGCACCCCTAGAAGAA-3'
Protein context (NP_000129.3, residues 450-470): TDYCQLVRYL[Cys460Tyr]QNGRCIPTPG

ClinVar aggregate classification (germline): Likely pathogenic. Review status: reviewed by expert panel (3 of 4 stars). 4 submissions from 4 submitters: Likely pathogenic (1). 3 of the submissions do not count toward it. Last evaluated 2023-11-16.

Conditions:
Marfan syndrome (MFS). Also called: FBN1-Related Marfan Syndrome; Marfan syndrome type 1; Marfan's syndrome; Marfan syndrome, classic; MARFAN SYNDROME, TYPE I. Identifiers: Orphanet 284963, Orphanet 558, MedGen C0024796, MONDO:0007947, OMIM 154700.
FBN1-related disorder. Also called: FBN1-related disorders.

Submissions (4):

ClinGen FBN1 Variant Curation Expert Panel, ClinGen
Classification: Likely pathogenic for Marfan syndrome. Last evaluated: 2023-11-16. Review status: reviewed by expert panel. Criteria: Assertion Criteria VCEP FBN1 Version 1. Collection method: curation. Allele origin: germline. Inheritance: Autosomal dominant inheritance.
Comment: NM_00138 c.1379G>A is a missense variant in FBN1 predicted to cause a substitution of a cysteine by tyrosine at amino acid 460 (p.Cys460Tyr). This variant was found in a proband with bilateral ectopia lentis and mitral valve prolapse (PS4_supporting; PMID: 21932315). This variant has been reported twice in ClinVar as likely pathogenic and once as of uncertain significance (Variation ID: 636640). This variant is not present in gnomAD (PM2_supporting). This variant affects a cysteine residue in a EGF domain; cysteine residues are believed to be involved in the formation of disulfide bridges which are essential for the protein structure (PM1). Other variants altering this codon are pathogenic or likely pathogenic (p.Cys460Ser, p.Cys460Trp), supporting the functional importance of this amino acid position (PM5). Computational prediction tools and conservation analysis suggest that this variant may impact the protein’s structure or function (PP3). The constraint z-score for missense variants affecting FBN1 is 5.06 (PP2). In summary, this variant meets criteria to be classified as likely pathogenic for Marfan syndrome based on the ACMG/AMP criteria applied, as specified by the ClinGen FBN1 VCEP: PM1, PM5, PS4_supporting, PM2_supporting, PP2, PP3.

AiLife Diagnostics
Classification: Likely pathogenic. Last evaluated: 2022-03-03. Review status: criteria provided, single submitter. Criteria: ACMG Guidelines, 2015. Collection method: clinical testing. Allele origin: germline. Affected: yes. Observed: 1 variant allele. Not counted in ClinVar's aggregate classification.

Women's Health and Genetics/Laboratory Corporation of America, LabCorp
Classification: Uncertain significance. Last evaluated: 2021-04-15. Review status: criteria provided, single submitter. Criteria: LabCorp Variant Classification Summary - May 2015. Collection method: clinical testing. Allele origin: germline. Not counted in ClinVar's aggregate classification.
Comment: Variant summary: FBN1 c.1379G>A (p.Cys460Tyr) results in a non-conservative amino acid change located in the EGF-like domain (IPR000742) of the encoded protein sequence. Five of five in-silico tools predict a damaging effect of the variant on protein function. The variant was absent in 251242 control chromosomes (gnomAD). The available data on variant occurrences in the general population are insufficient to allow any conclusion about variant significance. c.1379G>A has been reported in the literature in at least an individual who was diagnosed with bilateral Ectopia Lentis and mild mitral valve prolapse with normal aortic root but who did not fulfill revised Ghent criteria (Zadeh_2011). This report however, does not provide unequivocal conclusions about association of the variant with Marfan Syndrome. To our knowledge, no experimental evidence demonstrating an impact on protein function has been reported. Missense mutations affecting or creating cysteine residues are listed among the criteria for a causal FBN1 mutation when identified as de novo (with proven paternity) in the revised Ghent criteria for the diagnosis of Marfan and related conditions (Loeys BL et al, 2010). One ClinVar submitter (evaluation after 2014) cite the variant as likely pathogenic. Based on the evidence outlined above, the variant was classified as VUS-possibly pathogenic.

Blueprint Genetics
Classification: Likely pathogenic for FBN1-related disorders. Last evaluated: 2018-05-10. Review status: criteria provided, single submitter. Criteria: ACMG Guidelines, 2015. Collection method: clinical testing. Allele origin: germline. Affected: yes. Observed: 1 variant allele. Not counted in ClinVar's aggregate classification.

Literature cited by the submitters: PubMed 21932315 (cited by AiLife Diagnostics and Women's Health and Genetics/Laboratory Corporation of America, LabCorp).